The following is an entry in ClinVar:

NM_152703.5(SAMD9L):c.1904del (p.Leu635fs)

Gene: SAMD9L (sterile alpha motif domain containing 9 like; minus strand). Cytogenetic location: 7q21.2.
Variant type: Deletion.
Coding change: c.1904del on transcript NM_152703.5 (MANE Select); coding-DNA position 1904, one base deleted (T; older notation c.1904delT).
Protein change: p.Leu635fs; shifts the reading frame from leucine 635.
Molecular consequence: frameshift variant.
Genome position (GRCh38, 1-based): chr7:93,134,068, A deleted on the plus strand (T on the coding strand, the reverse complement: SAMD9L is on the minus strand); the first of 5 consecutive A bases (chr7:93,134,068-93,134,072); deleting any one gives the same sequence. VCF-style (leftmost placement, unchanged base first): chr7-93134067-CA-C. GRCh37 (hg19) VCF-style: chr7-92763380-CA-C.
Other names: c.1904delT (NM_152703.5); c.1904del, p.Leu635fs (NM_001303496.3, NM_001303497.3, NM_001303498.3 and 5 more transcripts); short protein forms L635fs.
Identifiers: ClinVar variation 2637509 (VCV002637509.5), dbSNP rs781344167, ClinGen allele CA4343664.

ClinVar aggregate classification (germline): Uncertain significance. Review status: criteria provided, multiple submitters, no conflicts (2 of 4 stars). 3 submissions from 3 submitters: Uncertain significance (3). Last evaluated 2024-07-10.

Submissions (3):

Blueprint Genetics
Classification: Uncertain significance. Last evaluated: 2024-07-10. Review status: criteria provided, single submitter. Criteria: ACMG Guidelines, 2015. Collection method: clinical testing. Allele origin: germline.

Women's Health and Genetics/Laboratory Corporation of America, LabCorp
Classification: Uncertain significance. Last evaluated: 2023-10-26. Review status: criteria provided, single submitter. Criteria: LabCorp Variant Classification Summary - May 2015. Collection method: clinical testing. Allele origin: germline.
Comment: Variant summary: SAMD9L c.1904delT (p.Leu635CysfsX11) results in a premature termination codon, predicted to cause a truncation of the encoded protein, however the molecular mechanism of disease attributed to SAMD9L is gain-of-function. The variant allele was found at a frequency of 1.6e-05 in 250382 control chromosomes. The available data on variant occurrences in the general population are insufficient to allow any conclusion about variant significance. To our knowledge, no occurrence of c.1904delT in individuals affected with SAMD9L-Related Disorders and no experimental evidence demonstrating its impact on protein function have been reported. No submitters have cited clinical-significance assessments for this variant to ClinVar after 2014. Based on the evidence outlined above, the variant was classified as uncertain significance.

Labcorp Genetics (formerly Invitae), Labcorp
Classification: Uncertain significance. Last evaluated: 2023-06-27. Review status: criteria provided, single submitter. Criteria: Invitae Variant Classification Sherloc (09022015). Collection method: clinical testing. Allele origin: germline.
Comment: This variant is present in population databases (rs781344167, gnomAD 0.04%). This sequence change creates a premature translational stop signal (p.Leu635Cysfs*11) in the SAMD9L gene. While this is not anticipated to result in nonsense mediated decay, it is expected to disrupt the last 950 amino acid(s) of the SAMD9L protein. This variant has not been reported in the literature in individuals affected with SAMD9L-related conditions. Experimental studies and prediction algorithms are not available or were not evaluated, and the functional significance of this variant is currently unknown. In summary, the available evidence is currently insufficient to determine the role of this variant in disease. Therefore, it has been classified as a Variant of Uncertain Significance.